The following is an entry in ClinVar:

ClinVar aggregate classification (germline): Uncertain significance (1 of 4 stars; one submission).

Allele frequency attached by ClinVar (database versions not stated): TOPMed below 0.00001; gnomAD 0.00001.
gnomAD v4.1: 8 of 1,545,870 alleles (0.00052%); highest among the groups gnomAD compares: Admixed American, 0.0098%; no homozygotes.

Submission:

CeGaT Center for Human Genetics Tuebingen
Classification: Uncertain significance. Last evaluated: 2023-03-01. Review status: criteria provided, single submitter. Criteria: CeGaT Center For Human Genetics Tuebingen Variant Classification Criteria Version 2. Collection method: clinical testing. Allele origin: germline. Affected: yes. Observed: 1 variant allele.
Comment: LOXHD1: PM2, BP4

NM_001384474.1(LOXHD1):c.2711G>A (p.Arg904Gln)

Gene: LOXHD1 (lipoxygenase homology PLAT domains 1; minus strand). Cytogenetic location: 18q21.1.
Variant type: single nucleotide variant.
Coding change: c.2711G>A on transcript NM_001384474.1 (MANE Select); coding-DNA position 2711, G replaced by A.
Protein change: p.Arg904Gln; replaces arginine 904 with glutamine.
Molecular consequence: missense variant.
Genome position (GRCh38, 1-based): chr18:46,560,433, C>T on the plus strand (G>A on the coding strand, the complement: LOXHD1 is on the minus strand). VCF-style: chr18-46560433-C-T. GRCh37 (hg19) VCF-style: chr18-44140396-C-T.
Other names: c.2711G>A, p.Arg904Gln (NM_144612.7); short protein forms R904Q.
Identifiers: ClinVar variation 2648703 (VCV002648703.24), dbSNP rs1410664639, ClinGen allele CA402371581.